The following is an entry in ClinVar:

NM_000875.5(IGF1R):c.*874C>T

Gene: IGF1R (insulin like growth factor 1 receptor; plus strand). Cytogenetic location: 15q26.3.
Variant type: single nucleotide variant.
Coding change: c.*874C>T on transcript NM_000875.5 (MANE Select); 874 bases downstream of the stop codon, C replaced by T.
Molecular consequence: 3 prime UTR variant.
Genome position (GRCh38, 1-based): chr15:98,958,316, C>T. VCF-style: chr15-98958316-C-T. GRCh37 (hg19) VCF-style: chr15-99501545-C-T.
Other names: c.*874C>T (NM_001291858.2).
Identifiers: ClinVar variation 317491 (VCV000317491.6), dbSNP rs34875596, ClinGen allele CA10647557.
Genomic context (GRCh38, chr15:98,958,316, plus strand): 5'-GTGAAGGTGGGGAGAAGCTGAACCGGCTTCCCTGCCCTGCCTCCCCAGCCCCCTGCCCAA[C>T]CCCCAAGAATCTGGTGGCCATGGGCCCCGAAGCAGCCTGGCGGACAGGCTTGGAGTCAAG-3'

ClinVar aggregate classification (germline): Benign. Review status: criteria provided, multiple submitters, no conflicts (2 of 4 stars). 2 submissions from 2 submitters: Benign (2). Last evaluated 2018-01-13.

Conditions:
Growth delay due to insulin-like growth factor I resistance. Also called: Somatomedin end-organ insensitivity to; Somatomedin-c resistance to; IGF-1 resistance; IGF-I RESISTANCE; Insulin-Like Growth Factor I Resistance. Identifiers: Orphanet 73273, MedGen C1849157, MONDO:0010038, OMIM 270450.

Allele frequency attached by ClinVar (database versions not stated): 1000 Genomes Project 0.06530; 1000 Genomes Project 30x 0.06761; gnomAD 0.07186 and 0.07522; TOPMed 0.07740.
gnomAD v4.1: 13,417 of 210,988 alleles (6.4%); highest among the groups gnomAD compares: African/African-American, 17%; 770 homozygotes.

Submissions (2):

Illumina Laboratory Services, Illumina
Classification: Benign for Growth delay due to insulin-like growth factor I resistance. Last evaluated: 2018-01-13. Review status: criteria provided, single submitter. Criteria: ICSL Variant Classification Criteria 13 December 2019. Collection method: clinical testing. Allele origin: germline.
Comment: This variant was observed in the ICSL laboratory as part of a predisposition screen in an ostensibly healthy population. It had not been previously curated by ICSL or reported in the Human Gene Mutation Database (HGMD: prior to June 1st, 2018), and was therefore a candidate for classification through an automated scoring system. Utilizing variant allele frequency, disease prevalence and penetrance estimates, and inheritance mode, an automated score was calculated to assess if this variant is too frequent to cause the disease. Based on the score and internal cut-off values, a variant classified as benign is not then subjected to further curation. The score for this variant resulted in a classification of benign for this disease.

Breakthrough Genomics
Classification: Benign. Review status: criteria provided, single submitter. Criteria: ACMG Guidelines, 2015. Collection method: not provided. Allele origin: germline. Inheritance: Autosomal dominant inheritance. Affected: yes.